The following is an entry in ClinVar:

NM_004336.5(BUB1):c.1349A>G (p.Gln450Arg)

Gene: BUB1 (BUB1 mitotic checkpoint serine/threonine kinase; minus strand). Cytogenetic location: 2q13.
Variant type: single nucleotide variant.
Coding change: c.1349A>G on transcript NM_004336.5 (MANE Select); coding-DNA position 1349, A replaced by G.
Protein change: p.Gln450Arg; replaces glutamine 450 with arginine.
Molecular consequence: missense variant.
Genome position (GRCh38, 1-based): chr2:110,658,670, T>C on the plus strand (A>G on the coding strand, the complement: BUB1 is on the minus strand). VCF-style: chr2-110658670-T-C. GRCh37 (hg19) VCF-style: chr2-111416247-T-C.
Other names: c.1289A>G, p.Gln430Arg (NM_001278616.2); c.1349A>G, p.Gln450Arg (NM_001278617.2); short protein forms Q430R, Q450R.
Identifiers: ClinVar variation 1770542 (VCV001770542.2), dbSNP rs1191670421, ClinGen allele CA348212613.

ClinVar aggregate classification (germline): Uncertain significance (1 of 4 stars; one submission).

Allele frequency attached by ClinVar (database versions not stated): gnomAD exomes 0.00001.
gnomAD v4.1: 3 of 1,614,212 alleles (0.00019%); highest among the groups gnomAD compares: South Asian, 0.0011%; no homozygotes.

Submission:

Ambry Genetics
Classification: Uncertain significance. Last evaluated: 2021-12-11. Review status: criteria provided, single submitter. Criteria: Ambry Variant Classification Scheme 2023. Collection method: clinical testing. Allele origin: germline.
Comment: The p.Q450R variant (also known as c.1349A>G), located in coding exon 12 of the BUB1 gene, results from an A to G substitution at nucleotide position 1349. The glutamine at codon 450 is replaced by arginine, an amino acid with highly similar properties. This amino acid position is conserved. In addition, the in silico prediction for this alteration is inconclusive. Since supporting evidence is limited at this time, the clinical significance of this alteration remains unclear.